The following is an entry in ClinVar:

NM_001198950.3(MYO16):c.4071G>A (p.Pro1357=)

Gene: MYO16 (myosin XVI; plus strand). Cytogenetic location: 13q33.3.
Variant type: single nucleotide variant.
Coding change: c.4071G>A on transcript NM_001198950.3 (MANE Select); coding-DNA position 4071, G replaced by A.
Protein change: p.Pro1357=; no amino-acid change (proline 1357 retained).
Molecular consequence: synonymous variant.
Genome position (GRCh38, 1-based): chr13:109,140,283, G>A. VCF-style: chr13-109140283-G-A. GRCh37 (hg19) VCF-style: chr13-109792631-G-A.
Other names: c.4005G>A, p.Pro1335= (NM_015011.3).
Identifiers: ClinVar variation 776809 (VCV000776809.7), dbSNP rs148053385, ClinGen allele CA7045628.

ClinVar aggregate classification (germline): Benign. Review status: criteria provided, multiple submitters, no conflicts (2 of 4 stars). 3 submissions from 3 submitters: Benign (2). 1 of the submissions does not count toward it. Last evaluated 2019-12-31.

Conditions:
MYO16-related disorder. Also called: MYO16-related condition.

Allele frequency attached by ClinVar (database versions not stated): gnomAD 0.01644 and 0.01746; 1000 Genomes Project 0.01697; TOPMed 0.01876; 1000 Genomes Project 30x 0.01889; ESP Exome Variant Server 0.01931.

Submissions (3):

Labcorp Genetics (formerly Invitae), Labcorp
Classification: Benign. Last evaluated: 2019-12-31. Review status: criteria provided, single submitter. Criteria: Invitae Variant Classification Sherloc (09022015). Collection method: clinical testing. Allele origin: germline.

Breakthrough Genomics
Classification: Benign. Review status: criteria provided, single submitter. Criteria: ACMG Guidelines, 2015. Collection method: not provided. Allele origin: germline. Inheritance: Unknown mechanism. Affected: yes.

PreventionGenetics, part of Exact Sciences
Classification: Benign for MYO16-related condition. Last evaluated: 2019-03-05. Review status: no assertion criteria provided. Collection method: clinical testing. Allele origin: germline. Not counted in ClinVar's aggregate classification.
Comment: This variant is classified as benign based on ACMG/AMP sequence variant interpretation guidelines (Richards et al. 2015 PMID: 25741868, with internal and published modifications).